The following is an entry in ClinVar:

NM_006073.4(TRDN):c.1582A>G (p.Lys528Glu)

Gene: TRDN (triadin; minus strand). Cytogenetic location: 6q22.31.
Variant type: single nucleotide variant.
Coding change: c.1582A>G on transcript NM_006073.4 (MANE Select); coding-DNA position 1582, A replaced by G.
Protein change: p.Lys528Glu; replaces lysine 528 with glutamic acid.
Molecular consequence: missense variant.
Genome position (GRCh38, 1-based): chr6:123,274,656, T>C on the plus strand (A>G on the coding strand, the complement: TRDN is on the minus strand). VCF-style: chr6-123274656-T-C. GRCh37 (hg19) VCF-style: chr6-123595801-T-C.
Other names: short protein forms K528E.
Identifiers: ClinVar variation 1003763 (VCV001003763.46), dbSNP rs774550097, ClinGen allele CA3983854.

ClinVar aggregate classification (germline): Uncertain significance. Review status: criteria provided, multiple submitters, no conflicts (2 of 4 stars). 2 submissions from 2 submitters: Uncertain significance (2). Last evaluated 2025-04-02.

Conditions:
Catecholaminergic polymorphic ventricular tachycardia 1. Also called: RYR2-Related Catecholaminergic Polymorphic Ventricular Tachycardia; VENTRICULAR TACHYCARDIA, CATECHOLAMINERGIC POLYMORPHIC, 1, WITH OR WITHOUT ATRIAL DYSFUNCTION AND/OR DILATED CARDIOMYOPATHY; VENTRICULAR TACHYCARDIA, STRESS-INDUCED POLYMORPHIC 1. Identifiers: Orphanet 3286, MedGen C1631597, MONDO:0011484, OMIM 604772.
Cardiovascular phenotype. Identifiers: MedGen CN230736.

Allele frequency attached by ClinVar (database versions not stated): gnomAD exomes below 0.00001; ExAC 0.00001; gnomAD 0.00002; TOPMed 0.00006.
gnomAD v4.1: 7 of 1,608,656 alleles (0.00044%); highest among the groups gnomAD compares: Non-Finnish European, 0.00059%; no homozygotes.

Submissions (2):

Ambry Genetics
Classification: Uncertain significance for Cardiovascular phenotype. Last evaluated: 2025-04-02. Review status: criteria provided, single submitter. Criteria: Ambry Variant Classification Scheme 2023. Collection method: clinical testing. Allele origin: germline.
Comment: The p.K528E variant (also known as c.1582A>G), located in coding exon 27 of the TRDN gene, results from an A to G substitution at nucleotide position 1582. The lysine at codon 528 is replaced by glutamic acid, an amino acid with similar properties. This amino acid position is conserved. In addition, this alteration is predicted to be tolerated by in silico analysis. Since supporting evidence is limited at this time, the clinical significance of this alteration remains unclear.

Labcorp Genetics (formerly Invitae), Labcorp
Classification: Uncertain significance for Catecholaminergic polymorphic ventricular tachycardia 1. Last evaluated: 2021-12-03. Review status: criteria provided, single submitter. Criteria: Invitae Variant Classification Sherloc (09022015). Collection method: clinical testing. Allele origin: germline.
Comment: This sequence change replaces lysine, which is basic and polar, with glutamic acid, which is acidic and polar, at codon 528 of the TRDN protein (p.Lys528Glu). This variant is present in population databases (rs774550097, gnomAD 0.002%). This variant has not been reported in the literature in individuals affected with TRDN-related conditions. ClinVar contains an entry for this variant (Variation ID: 1003763). Algorithms developed to predict the effect of missense changes on protein structure and function are either unavailable or do not agree on the potential impact of this missense change (SIFT: "Tolerated"; PolyPhen-2: "Possibly Damaging"; Align-GVGD: "Class C0"). In summary, the available evidence is currently insufficient to determine the role of this variant in disease. Therefore, it has been classified as a Variant of Uncertain Significance.